The following is an entry in ClinVar:

NM_001042492.3(NF1):c.2953C>T (p.Gln985Ter)

Gene: NF1 (neurofibromin 1; plus strand). Cytogenetic location: 17q11.2.
Variant type: single nucleotide variant.
Coding change: c.2953C>T on transcript NM_001042492.3 (MANE Select); coding-DNA position 2953, C replaced by T.
Protein change: p.Gln985Ter; replaces glutamine 985 with a stop codon.
Molecular consequence: nonsense.
Genome position (GRCh38, 1-based): chr17:31,229,937, C>T. VCF-style: chr17-31229937-C-T. GRCh37 (hg19) VCF-style: chr17-29556955-C-T.
Other names: c.2953C>T, p.Gln985Ter (NM_000267.4); short protein forms Q985*.
Identifiers: ClinVar variation 457608 (VCV000457608.17), dbSNP rs1555614455, ClinGen allele CA398986319.

ClinVar aggregate classification (germline): Pathogenic. Review status: criteria provided, multiple submitters, no conflicts (2 of 4 stars). 6 submissions from 6 submitters: Pathogenic (6). Last evaluated 2025-09-03.

Conditions:
Cardiovascular phenotype. Identifiers: MedGen CN230736.
Hereditary cancer-predisposing syndrome. Also called: Hereditary Cancer Syndrome; Hereditary neoplastic syndrome; Tumor predisposition; Neoplastic Syndromes, Hereditary. Identifiers: Orphanet 140162, MedGen C0027672, MeSH D009386, MONDO:0015356.
Neurofibromatosis, type 1 (NF1). Also called: VON RECKLINGHAUSEN DISEASE; NEUROFIBROMATOSIS, TYPE I, SOMATIC; Peripheral type neurofibromatosis; Neurofibromatosis, type I. Identifiers: Orphanet 636, MedGen C0027831, MONDO:0018975, OMIM 162200. Disease mechanism: loss of function.

Submissions (6):

Labcorp Genetics (formerly Invitae), Labcorp
Classification: Pathogenic for Neurofibromatosis, type 1. Last evaluated: 2025-09-03. Review status: criteria provided, single submitter. Criteria: Invitae Variant Classification Sherloc (09022015). Collection method: clinical testing. Allele origin: germline.
Comment: This sequence change creates a premature translational stop signal (p.Gln985*) in the NF1 gene. It is expected to result in an absent or disrupted protein product. Loss-of-function variants in NF1 are known to be pathogenic (PMID: 10712197, 23913538). This variant is not present in population databases (gnomAD no frequency). This premature translational stop signal has been observed in individual(s) with neurofibromatosis type 1 (PMID: 23913538, 27322474, 30014477). In at least one individual the variant was observed to be de novo. It has also been observed to segregate with disease in related individuals. Invitae Evidence Modeling of clinical and family history, age, sex, and reported ancestry of multiple individuals with this NF1 variant has been performed. This variant is expected to be pathogenic with a positive predictive value of at least 99%. This is a validated machine learning model that incorporates the clinical features of 1,785,918 individuals referred to our laboratory for NF1 testing. ClinVar contains an entry for this variant (Variation ID: 457608). Algorithms developed to predict the effect of sequence changes on RNA splicing suggest that this variant may disrupt the consensus splice site. For these reasons, this variant has been classified as Pathogenic.

GeneDx
Classification: Pathogenic. Last evaluated: 2024-12-23. Review status: criteria provided, single submitter. Criteria: GeneDx Variant Classification Process June 2021. Collection method: clinical testing. Allele origin: germline. Affected: yes.
Comment: Nonsense variant predicted to result in protein truncation or nonsense mediated decay in a gene for which loss-of-function is a known mechanism of disease; Not observed at significant frequency in large population cohorts (gnomAD); This variant is associated with the following publications: (PMID: 30014477, 23913538, 7904209, 12807981, 20602485, 27322474, 31776437)

Genomic Medicine Center of Excellence, King Faisal Specialist Hospital and Research Centre
Classification: Pathogenic for Neurofibromatosis, type 1. Last evaluated: 2024-09-02. Review status: criteria provided, single submitter. Criteria: ACMG Guidelines, 2015. Collection method: clinical testing. Allele origin: germline.

Genome-Nilou Lab
Classification: Pathogenic for Neurofibromatosis, type 1. Last evaluated: 2022-03-15. Review status: criteria provided, single submitter. Criteria: ACMG Guidelines, 2015. Collection method: clinical testing. Allele origin: germline. Affected: no.

Clinical Molecular Genetics Laboratory, Johns Hopkins All Children's Hospital
Classification: Pathogenic for Neurofibromatosis, type 1. Last evaluated: 2020-02-03. Review status: criteria provided, single submitter. Criteria: ACMG Guidelines, 2015. Collection method: clinical testing. Allele origin: germline. Inheritance: Autosomal dominant inheritance. Affected: yes. Observed: 1 heterozygote.

Ambry Genetics
Classification: Pathogenic for Cardiovascular phenotype; Hereditary cancer-predisposing syndrome. Last evaluated: 2017-07-31. Review status: criteria provided, single submitter. Criteria: Ambry Variant Classification Scheme 2023. Collection method: clinical testing. Allele origin: germline.
Comment: The p.Q985* pathogenic mutation (also known as c.2953C>T), located in coding exon 22 of the NF1 gene, results from a C to T substitution at nucleotide position 2953. This changes the amino acid from a glutamine to a stop codon within coding exon 22. This mutation has been detected in several individuals fulfilling NIH diagnostic criteria for Neurofibromatosis type 1 (NF1) (Sabbagh A et al. Hum. Mutat., 2013 Nov;34:1510-8; Evans DG et al. EBioMedicine, 2016 May;7:212-20). In addition to the clinical data in the literature, this alteration is expected to result in loss of function by premature protein truncation or nonsense-mediated mRNA decay. As such, this alteration is interpreted as a disease-causing mutation.

Literature cited by the submitters: PubMed 10712197 (cited by Labcorp Genetics (formerly Invitae), Labcorp); PubMed 23913538 (cited by Labcorp Genetics (formerly Invitae), Labcorp); PubMed 27322474 (cited by Labcorp Genetics (formerly Invitae), Labcorp); PubMed 30014477 (cited by Labcorp Genetics (formerly Invitae), Labcorp).